The following is an entry in ClinVar:

ClinVar aggregate classification (germline): Uncertain significance (1 of 4 stars; one submission).

Conditions:
Hereditary cancer-predisposing syndrome. Also called: Neoplastic Syndromes, Hereditary; Tumor predisposition; Hereditary Cancer Syndrome; Hereditary neoplastic syndrome. Identifiers: Orphanet 140162, MedGen C0027672, MeSH D009386, MONDO:0015356.

Submission:

Ambry Genetics
Classification: Uncertain significance for Hereditary cancer-predisposing syndrome. Last evaluated: 2026-05-24. Review status: criteria provided, single submitter. Criteria: Ambry Variant Classification Scheme 2023. Collection method: clinical testing. Allele origin: germline.
Comment: The p.F523Y variant (also known as c.1568T>A), located in coding exon 4 of the MET gene, results from a T to A substitution at nucleotide position 1568. The phenylalanine at codon 523 is replaced by tyrosine, an amino acid with highly similar properties. This amino acid position is conserved. In addition, this alteration is predicted to be tolerated by in silico analysis. Based on the available evidence, the clinical significance of this variant remains unclear.

NM_000245.4(MET):c.1568T>A (p.Phe523Tyr)

Gene: MET (MET proto-oncogene, receptor tyrosine kinase; plus strand). Cytogenetic location: 7q31.2.
Variant type: single nucleotide variant.
Coding change: c.1568T>A on transcript NM_000245.4 (MANE Select); coding-DNA position 1568, T replaced by A.
Protein change: p.Phe523Tyr; replaces phenylalanine 523 with tyrosine.
Molecular consequence: missense variant.
Genome position (GRCh38, 1-based): chr7:116,740,892, T>A. VCF-style: chr7-116740892-T-A. GRCh37 (hg19) VCF-style: chr7-116380946-T-A.
Other names: c.1568T>A, p.Phe523Tyr (NM_001127500.3, NM_001324401.3); c.278T>A, p.Phe93Tyr (NM_001324402.2); short protein forms F523Y, F93Y.
Identifiers: ClinVar variation 4859997 (VCV004859997.1).